The following is an entry in ClinVar:

ClinVar aggregate classification (germline): Uncertain significance (1 of 4 stars; one submission).

Conditions:
Hereditary cancer-predisposing syndrome. Also called: Neoplastic Syndromes, Hereditary; Tumor predisposition; Hereditary neoplastic syndrome; Hereditary Cancer Syndrome. Identifiers: Orphanet 140162, MedGen C0027672, MeSH D009386, MONDO:0015356.

Submission:

Ambry Genetics
Classification: Uncertain significance for Hereditary cancer-predisposing syndrome. Last evaluated: 2024-03-27. Review status: criteria provided, single submitter. Criteria: Ambry Variant Classification Scheme 2023. Collection method: clinical testing. Allele origin: germline.
Comment: The p.W156C variant (also known as c.468G>T), located in coding exon 3 of the XRCC2 gene, results from a G to T substitution at nucleotide position 468. The tryptophan at codon 156 is replaced by cysteine, an amino acid with highly dissimilar properties. This amino acid position is conserved. In addition, this alteration is predicted to be deleterious by in silico analysis. Based on the available evidence, the clinical significance of this alteration remains unclear.

NM_005431.2(XRCC2):c.468G>T (p.Trp156Cys)

Gene: XRCC2 (X-ray repair cross complementing 2; minus strand). Cytogenetic location: 7q36.1.
Variant type: single nucleotide variant.
Coding change: c.468G>T on transcript NM_005431.2 (MANE Select); coding-DNA position 468, G replaced by T.
Protein change: p.Trp156Cys; replaces tryptophan 156 with cysteine.
Molecular consequence: missense variant.
Genome position (GRCh38, 1-based): chr7:152,649,017, C>A on the plus strand (G>T on the coding strand, the complement: XRCC2 is on the minus strand). VCF-style: chr7-152649017-C-A. GRCh37 (hg19) VCF-style: chr7-152346102-C-A.
Other names: short protein forms W156C.
Identifiers: ClinVar variation 3333534 (VCV003333534.1).